The following is an entry in ClinVar:

ClinVar aggregate classification (germline): Uncertain significance (1 of 4 stars; one submission).

Conditions:
Inborn genetic diseases. Identifiers: MedGen C0950123, MeSH D030342.

Submission:

Ambry Genetics
Classification: Uncertain significance for Inborn genetic diseases. Last evaluated: 2026-07-20. Review status: criteria provided, single submitter. Criteria: Ambry Variant Classification Scheme 2023. Collection method: clinical testing. Allele origin: germline.
Comment: The c.812C>T (p.T271M) alteration is located in exon 1 (coding exon 1) of the USP27X gene. This alteration results from a C to T substitution at nucleotide position 812, causing the threonine (T) at amino acid position 271 to be replaced by a methionine (M). Based on data from gnomAD, the T allele has an overall frequency of 0.002% (2/117267) total alleles studied. The highest observed frequency was 0.016% (1/6277) of Ashkenazi Jewish alleles. Based on insufficient or conflicting evidence, the clinical significance of this alteration remains unclear.

NM_001145073.3(USP27X):c.812C>T (p.Thr271Met)

Gene: USP27X (ubiquitin specific peptidase 27 X-linked; plus strand). Cytogenetic location: Xp11.23.
Variant type: single nucleotide variant.
Coding change: c.812C>T on transcript NM_001145073.3 (MANE Select); coding-DNA position 812, C replaced by T.
Protein change: p.Thr271Met; replaces threonine 271 with methionine.
Molecular consequence: missense variant.
Genome position (GRCh38, 1-based): chrX:49,881,119, C>T. VCF-style: chrX-49881119-C-T. GRCh37 (hg19) VCF-style: chrX-49645722-C-T.
Other names: short protein forms T271M.
Identifiers: ClinVar variation 5031648 (VCV005031648.1).